The following is an entry in ClinVar:

ClinVar aggregate classification (germline): Uncertain significance (1 of 4 stars; one submission).

Submission:

GeneDx
Classification: Uncertain significance. Last evaluated: 2025-01-23. Review status: criteria provided, single submitter. Criteria: GeneDx Variant Classification Process June 2021. Collection method: clinical testing. Allele origin: germline. Affected: yes.
Comment: Not observed at significant frequency in large population cohorts (gnomAD); In silico analysis supports that this missense variant does not alter protein structure/function; Has not been previously published as pathogenic or benign to our knowledge; This variant is associated with the following publications: (PMID: 27535533)

NM_001372044.2(SHANK3):c.2824G>A (p.Ala942Thr)

Gene: SHANK3 (SH3 and multiple ankyrin repeat domains 3; plus strand). Cytogenetic location: 22q13.33.
Variant type: single nucleotide variant.
Coding change: c.2824G>A on transcript NM_001372044.2 (MANE Select); coding-DNA position 2824, G replaced by A.
Protein change: p.Ala942Thr; replaces alanine 942 with threonine.
Molecular consequence: missense variant.
Genome position (GRCh38, 1-based): chr22:50,720,432, G>A. VCF-style: chr22-50720432-G-A. GRCh37 (hg19) VCF-style: chr22-51158860-G-A.
Other names: c.2599G>A (NM_033517.1); short protein forms A942T.
Identifiers: ClinVar variation 4071585 (VCV004071585.1).